The following is an entry in ClinVar:

ClinVar aggregate classification (germline): Uncertain significance. Review status: criteria provided, multiple submitters, no conflicts (2 of 4 stars). 2 submissions from 2 submitters: Uncertain significance (2). Last evaluated 2025-07-31.

Conditions:
Baller-Gerold syndrome (BGS). Also called: CRANIOSYNOSTOSIS WITH RADIAL DEFECTS. Identifiers: Orphanet 1225, MedGen C0265308, MONDO:0009039, OMIM 218600.
Inborn genetic diseases. Identifiers: MedGen C0950123, MeSH D030342.

Allele frequency attached by ClinVar (database versions not stated): gnomAD exomes below 0.00001.
gnomAD v4.1: 4 of 1,609,654 alleles (0.00025%); highest among the groups gnomAD compares: Admixed American, 0.0017%; no homozygotes.

Submissions (2):

Labcorp Genetics (formerly Invitae), Labcorp
Classification: Uncertain significance for Baller-Gerold syndrome. Last evaluated: 2025-07-31. Review status: criteria provided, single submitter. Criteria: Invitae Variant Classification Sherloc (09022015). Collection method: clinical testing. Allele origin: germline.
Comment: This sequence change replaces glutamine, which is neutral and polar, with arginine, which is basic and polar, at codon 274 of the RECQL4 protein (p.Gln274Arg). This variant is not present in population databases (gnomAD no frequency). This variant has not been reported in the literature in individuals affected with RECQL4-related conditions. ClinVar contains an entry for this variant (Variation ID: 957748). Invitae Evidence Modeling of protein sequence and biophysical properties (such as structural, functional, and spatial information, amino acid conservation, physicochemical variation, residue mobility, and thermodynamic stability) indicates that this missense variant is not expected to disrupt RECQL4 protein function with a negative predictive value of 80%. In summary, the available evidence is currently insufficient to determine the role of this variant in disease. Therefore, it has been classified as a Variant of Uncertain Significance.

Ambry Genetics
Classification: Uncertain significance for Inborn genetic diseases. Last evaluated: 2025-02-21. Review status: criteria provided, single submitter. Criteria: Ambry Variant Classification Scheme 2023. Collection method: clinical testing. Allele origin: germline.
Comment: The p.Q274R variant (also known as c.821A>G), located in coding exon 5 of the RECQL4 gene, results from an A to G substitution at nucleotide position 821. The glutamine at codon 274 is replaced by arginine, an amino acid with highly similar properties. This amino acid position is conserved. In addition, this alteration is predicted to be tolerated by in silico analysis. Based on the available evidence, the clinical significance of this variant remains unclear.

NM_004260.4(RECQL4):c.821A>G (p.Gln274Arg)

Gene: RECQL4 (RecQ like helicase 4; minus strand). Cytogenetic location: 8q24.3.
Variant type: single nucleotide variant.
Coding change: c.821A>G on transcript NM_004260.4 (MANE Select); coding-DNA position 821, A replaced by G.
Protein change: p.Gln274Arg; replaces glutamine 274 with arginine.
Molecular consequence: missense variant.
Genome position (GRCh38, 1-based): chr8:144,516,298, T>C on the plus strand (A>G on the coding strand, the complement: RECQL4 is on the minus strand). VCF-style: chr8-144516298-T-C. GRCh37 (hg19) VCF-style: chr8-145741682-T-C.
Other names: short protein forms Q274R.
Identifiers: ClinVar variation 957748 (VCV000957748.7), dbSNP rs1279942403, ClinGen allele CA372689082.